The following is an entry in ClinVar:

ClinVar aggregate classification (germline): Benign/Likely benign. Review status: criteria provided, multiple submitters, no conflicts (2 of 4 stars). 3 submissions from 3 submitters: Benign (1); Likely benign (2). Last evaluated 2020-02-13.

Conditions:
Mitochondrial complex I deficiency, nuclear type 1. Also called: NADH-COENZYME Q REDUCTASE DEFICIENCY; MITOCHONDRIAL NADH DEHYDROGENASE COMPONENT OF COMPLEX I, DEFICIENCY OF. Identifiers: MedGen C6022305, MONDO:0100224, OMIM 252010.

Allele frequency attached by ClinVar (database versions not stated): 1000 Genomes Project 30x 0.01811; 1000 Genomes Project 0.01937; gnomAD 0.03244.

Submissions (3):

GeneDx
Classification: Benign. Last evaluated: 2020-02-13. Review status: criteria provided, single submitter. Criteria: GeneDx Variant Classification Process June 2021. Collection method: clinical testing. Allele origin: germline. Affected: yes.

Illumina Laboratory Services, Illumina
Classification: Likely benign for Mitochondrial complex I deficiency, nuclear type 1. Last evaluated: 2018-01-13. Review status: criteria provided, single submitter. Criteria: ICSL Variant Classification Criteria 13 December 2019. Collection method: clinical testing. Allele origin: germline.
Comment: This variant was observed in the ICSL laboratory as part of a predisposition screen in an ostensibly healthy population. It had not been previously curated by ICSL or reported in the Human Gene Mutation Database (HGMD: prior to June 1st, 2018), and was therefore a candidate for classification through an automated scoring system. Utilizing variant allele frequency, disease prevalence and penetrance estimates, and inheritance mode, an automated score was calculated to assess if this variant is too frequent to cause the disease. Based on the score and internal cut-off values, a variant classified as likely benign is not then subjected to further curation. The score for this variant resulted in a classification of likely benign for this disease.

Breakthrough Genomics
Classification: Likely benign. Review status: criteria provided, single submitter. Criteria: ACMG Guidelines, 2015. Collection method: not provided. Allele origin: germline. Inheritance: Autosomal recessive inheritance. Affected: yes.

NM_016013.4(NDUFAF1):c.-379C>T

Gene: NDUFAF1 (NADH:ubiquinone oxidoreductase complex assembly factor 1; minus strand). Cytogenetic location: 15q15.1.
Variant type: single nucleotide variant.
Coding change: c.-379C>T on transcript NM_016013.4 (MANE Select); 379 bases upstream of the start codon, C replaced by T.
Molecular consequence: 5 prime UTR variant. On other transcripts: non-coding transcript variant (1).
Genome position (GRCh38, 1-based): chr15:41,402,441, G>A on the plus strand (C>T on the coding strand, the complement: NDUFAF1 is on the minus strand). VCF-style: chr15-41402441-G-A. GRCh37 (hg19) VCF-style: chr15-41694639-G-A.
Identifiers: ClinVar variation 315886 (VCV000315886.7), dbSNP rs146883891, ClinGen allele CA7491450.